The following is an entry in ClinVar:

ClinVar aggregate classification (germline): Benign/Likely benign. Review status: criteria provided, multiple submitters, no conflicts (2 of 4 stars). 5 submissions from 5 submitters: Benign (2); Likely benign (1). 2 of the submissions do not count toward it. Last evaluated 2026-01-28.

Conditions:
Epidermolysis bullosa dystrophica. Also called: Dystrophic epidermolysis bullosa, Hallopeau-Siemens type (formerly); Dystrophic epidermolysis bullosa. Identifiers: Orphanet 303, MedGen C0079294, MONDO:0006543.
COL7A1-related disorder. Also called: COL7A1- related disorders; COL7A1-related condition.

Allele frequency attached by ClinVar (database versions not stated): gnomAD exomes 0.00040 and 0.00096; ExAC 0.00126; gnomAD 0.00347; 1000 Genomes Project 30x 0.00375; 1000 Genomes Project 0.00399; TOPMed 0.00452; ESP Exome Variant Server 0.00461.
gnomAD v4.1: 1,178 of 1,614,210 alleles (0.073%); highest among the groups gnomAD compares: African/African-American, 1.5%; 8 homozygotes.

Submissions (5):

Labcorp Genetics (formerly Invitae), Labcorp
Classification: Benign. Last evaluated: 2026-01-28. Review status: criteria provided, single submitter. Criteria: Invitae Variant Classification Sherloc (09022015). Collection method: clinical testing. Allele origin: germline.

Blueprint Genetics
Classification: Likely benign. Last evaluated: 2024-08-28. Review status: criteria provided, single submitter. Criteria: ACMG Guidelines, 2015. Collection method: clinical testing. Allele origin: germline.

Illumina Laboratory Services, Illumina
Classification: Benign for Dystrophic epidermolysis bullosa. Last evaluated: 2018-01-13. Review status: criteria provided, single submitter. Criteria: ICSL Variant Classification Criteria 13 December 2019. Collection method: clinical testing. Allele origin: germline.
Comment: This variant was observed in the ICSL laboratory as part of a predisposition screen in an ostensibly healthy population. It had not been previously curated by ICSL or reported in the Human Gene Mutation Database (HGMD: prior to June 1st, 2018), and was therefore a candidate for classification through an automated scoring system. Utilizing variant allele frequency, disease prevalence and penetrance estimates, and inheritance mode, an automated score was calculated to assess if this variant is too frequent to cause the disease. Based on the score and internal cut-off values, a variant classified as benign is not then subjected to further curation. The score for this variant resulted in a classification of benign for this disease.

Natera, Inc.
Classification: Benign for Dystrophic epidermolysis bullosa. Last evaluated: 2020-06-04. Review status: no assertion criteria provided. Collection method: clinical testing. Allele origin: germline. Not counted in ClinVar's aggregate classification.

PreventionGenetics, part of Exact Sciences
Classification: Benign for COL7A1-related condition. Last evaluated: 2019-06-14. Review status: no assertion criteria provided. Collection method: clinical testing. Allele origin: germline. Not counted in ClinVar's aggregate classification.
Comment: This variant is classified as benign based on ACMG/AMP sequence variant interpretation guidelines (Richards et al. 2015 PMID: 25741868, with internal and published modifications).

NM_000094.4(COL7A1):c.5307+7G>C

Gene: COL7A1 (collagen type VII alpha 1 chain; minus strand). Cytogenetic location: 3p21.31.
Variant type: single nucleotide variant.
Coding change: c.5307+7G>C on transcript NM_000094.4 (MANE Select); 7 bases into the intron after coding-DNA position 5307, G replaced by C.
Molecular consequence: intron variant.
Genome position (GRCh38, 1-based): chr3:48,579,362, C>G on the plus strand (G>C on the coding strand, the complement: COL7A1 is on the minus strand). VCF-style: chr3-48579362-C-G. GRCh37 (hg19) VCF-style: chr3-48616795-C-G.
Identifiers: ClinVar variation 345837 (VCV000345837.18), dbSNP rs116455408, ClinGen allele CA2379571.